The following is an entry in ClinVar:

ClinVar aggregate classification (germline): Uncertain significance (1 of 4 stars; one submission).

Conditions:
Aicardi-Goutieres syndrome 3. Identifiers: Orphanet 51, MedGen C1835916, MONDO:0012471, OMIM 610329.

Allele frequency attached by ClinVar (database versions not stated): gnomAD 0.00004.
gnomAD v4.1: 9 of 1,572,138 alleles (0.00057%); highest among the groups gnomAD compares: East Asian, 0.0024%; no homozygotes.

Submission:

Labcorp Genetics (formerly Invitae), Labcorp
Classification: Uncertain significance for Aicardi-Goutieres syndrome 3. Last evaluated: 2021-08-20. Review status: criteria provided, single submitter. Criteria: Invitae Variant Classification Sherloc (09022015). Collection method: clinical testing. Allele origin: germline.
Comment: This sequence change replaces aspartic acid with asparagine at codon 39 of the RNASEH2C protein (p.Asp39Asn). The aspartic acid residue is weakly conserved and there is a small physicochemical difference between aspartic acid and asparagine. This variant is present in population databases (rs773527127, ExAC 0.009%). This variant has not been reported in the literature in individuals affected with RNASEH2C-related conditions. Algorithms developed to predict the effect of missense changes on protein structure and function output the following: SIFT: "Tolerated"; PolyPhen-2: "Benign"; Align-GVGD: "Class C0". The asparagine amino acid residue is found in multiple mammalian species, which suggests that this missense change does not adversely affect protein function. In summary, the available evidence is currently insufficient to determine the role of this variant in disease. Therefore, it has been classified as a Variant of Uncertain Significance.

NM_032193.4(RNASEH2C):c.115G>A (p.Asp39Asn)

Genes: RNASEH2C (ribonuclease H2 subunit C; minus strand), LOC130006061 (ATAC-STARR-seq lymphoblastoid silent region 3553; plus strand). Cytogenetic location: 11q13.1.
Variant type: single nucleotide variant.
Coding change: c.115G>A on transcript NM_032193.4 (MANE Select); coding-DNA position 115, G replaced by A.
Protein change: p.Asp39Asn; replaces aspartic acid 39 with asparagine.
Molecular consequence: missense variant.
Genome position (GRCh38, 1-based): chr11:65,720,644, C>T on the plus strand (G>A on the coding strand, the complement: RNASEH2C is on the minus strand). VCF-style: chr11-65720644-C-T. GRCh37 (hg19) VCF-style: chr11-65488115-C-T.
Other names: short protein forms D39N.
Identifiers: ClinVar variation 959192 (VCV000959192.7), dbSNP rs773527127, ClinGen allele CA6107827.
Genomic context (GRCh38, chr11:65,720,644, plus strand): 5'-CACCCTCGGGGCCCTGGCGGATGGCGGGCGTGAAGAAGCGCCCCACCGGGGCGGGCCCGT[C>T]CACCGCAACCTCGCAGGGCAGCAGATGCAGTGTGGCGGGTACGGCGTCGCGCAATGTGGC-3'
Protein context (NP_115569.2, residues 29-49): LHLLPCEVAV[Asp39Asn]GPAPVGRFFT